The following is an entry in ClinVar:

ClinVar aggregate classification (germline): Uncertain significance (1 of 4 stars; one submission).

Allele frequency attached by ClinVar (database versions not stated): TOPMed below 0.00001.

Submission:

Labcorp Genetics (formerly Invitae), Labcorp
Classification: Uncertain significance. Last evaluated: 2024-10-16. Review status: criteria provided, single submitter. Criteria: Invitae Variant Classification Sherloc (09022015). Collection method: clinical testing. Allele origin: germline.
Comment: This sequence change replaces aspartic acid, which is acidic and polar, with asparagine, which is neutral and polar, at codon 266 of the P2RY12 protein (p.Asp266Asn). This variant is not present in population databases (gnomAD no frequency). This variant has not been reported in the literature in individuals affected with P2RY12-related conditions. An algorithm developed to predict the effect of missense changes on protein structure and function (PolyPhen-2) suggests that this variant is likely to be tolerated. In summary, the available evidence is currently insufficient to determine the role of this variant in disease. Therefore, it has been classified as a Variant of Uncertain Significance.

NM_022788.5(P2RY12):c.796G>A (p.Asp266Asn)

Genes: MED12L (mediator complex subunit 12L; plus strand), P2RY12 (purinergic receptor P2Y12; minus strand). Cytogenetic location: 3q25.1.
Variant type: single nucleotide variant.
Coding change: c.796G>A on transcript NM_022788.5 (MANE Select); coding-DNA position 796, G replaced by A.
Protein change: p.Asp266Asn; replaces aspartic acid 266 with asparagine.
Molecular consequence: missense variant. On other transcripts: intron variant (2).
Genome position (GRCh38, 1-based): chr3:151,338,050, C>T on the plus strand (G>A on the coding strand, the complement: P2RY12 is on the minus strand). VCF-style: chr3-151338050-C-T. GRCh37 (hg19) VCF-style: chr3-151055838-C-T.
Other names: c.796G>A, p.Asp266Asn (NM_176876.3); c.2251-12009C>T (NM_001393769.1); c.2146-12009C>T (NM_053002.6); short protein forms D266N.
Identifiers: ClinVar variation 2865953 (VCV002865953.3), dbSNP rs1751262323, ClinGen allele CA354980217.